The following is an entry in ClinVar:

ClinVar aggregate classification (germline): Conflicting classifications of pathogenicity. Review status: criteria provided, conflicting classifications (1 of 4 stars). 4 submissions from 4 submitters: Uncertain significance (1); Likely benign (2). 1 of the submissions does not count toward it. Last evaluated 2025-02-25.

Conditions:
ETFA-related disorder. Also called: ETFA-related condition.
Multiple acyl-CoA dehydrogenase deficiency (MADD). Also called: Glutaric aciduria, type 2; Glutaric Acidemia type 2; GA II; ETHYLMALONIC-ADIPICACIDURIA; Glutaric acidemia type II; GA 2. Identifiers: Orphanet 26791, MedGen C0268596, MONDO:0009282, OMIM 231680.

Allele frequency attached by ClinVar (database versions not stated): ExAC 0.00001; gnomAD 0.00001; TOPMed 0.00001; gnomAD exomes 0.00003; ESP Exome Variant Server 0.00008.
gnomAD v4.1: 39 of 1,612,502 alleles (0.0024%); highest among the groups gnomAD compares: Non-Finnish European, 0.0032%; no homozygotes.

Submissions (4):

Labcorp Genetics (formerly Invitae), Labcorp
Classification: Likely benign for Multiple acyl-CoA dehydrogenase deficiency. Last evaluated: 2025-02-25. Review status: criteria provided, single submitter. Criteria: Invitae Variant Classification Sherloc (09022015). Collection method: clinical testing. Allele origin: germline.

Blueprint Genetics
Classification: Likely benign. Last evaluated: 2024-05-31. Review status: criteria provided, single submitter. Criteria: ACMG Guidelines, 2015. Collection method: clinical testing. Allele origin: germline.

Illumina Laboratory Services, Illumina
Classification: Uncertain significance for Multiple acyl-CoA dehydrogenase deficiency. Last evaluated: 2018-01-12. Review status: criteria provided, single submitter. Criteria: ICSL Variant Classification Criteria 13 December 2019. Collection method: clinical testing. Allele origin: germline.

PreventionGenetics, part of Exact Sciences
Classification: Likely benign for ETFA-related condition. Last evaluated: 2021-03-29. Review status: no assertion criteria provided. Collection method: clinical testing. Allele origin: germline. Not counted in ClinVar's aggregate classification.
Comment: This variant is classified as likely benign based on ACMG/AMP sequence variant interpretation guidelines (Richards et al. 2015 PMID: 25741868, with internal and published modifications).

NM_000126.4(ETFA):c.66C>T (p.Thr22=)

Gene: ETFA (electron transfer flavoprotein subunit alpha; minus strand). Cytogenetic location: 15q24.2.
Variant type: single nucleotide variant.
Coding change: c.66C>T on transcript NM_000126.4 (MANE Select); coding-DNA position 66, C replaced by T.
Protein change: p.Thr22=; no amino-acid change (threonine 22 retained).
Molecular consequence: synonymous variant. On other transcripts: intron variant (1).
Genome position (GRCh38, 1-based): chr15:76,295,711, G>A on the plus strand (C>T on the coding strand, the complement: ETFA is on the minus strand). VCF-style: chr15-76295711-G-A. GRCh37 (hg19) VCF-style: chr15-76588052-G-A.
Other names: c.40-3011C>T (NM_001127716.2).
Identifiers: ClinVar variation 886083 (VCV000886083.16), dbSNP rs370375322, ClinGen allele CA7673864.